The following is an entry in ClinVar:

ClinVar aggregate classification (germline): Pathogenic/Likely pathogenic. Review status: criteria provided, multiple submitters, no conflicts (2 of 4 stars). 2 submissions from 2 submitters: Pathogenic (1); Likely pathogenic (1). Last evaluated 2025-03-27.

Conditions:
Pyridoxine-dependent epilepsy (EPEO4). Also called: Pyridoxine-Dependent Seizures; EPILEPSY, EARLY-ONSET, 4, VITAMIN B6-DEPENDENT; PYRIDOXINE DEPENDENCY WITH SEIZURES; Pyridoxine-Dependent Epilepsy - ALDH7A1. Identifiers: Orphanet 3006, MedGen C1849508, MONDO:0009945, OMIM 266100. Disease mechanism: loss of function.

Allele frequency attached by ClinVar (database versions not stated): TOPMed 0.00002; gnomAD exomes below 0.00001; gnomAD 0.00002.
gnomAD v4.1: 4 of 1,614,028 alleles (0.00025%); highest among the groups gnomAD compares: African/African-American, 0.004%; no homozygotes.

Submissions (2):

Labcorp Genetics (formerly Invitae), Labcorp
Classification: Pathogenic for Pyridoxine-dependent epilepsy. Last evaluated: 2025-03-27. Review status: criteria provided, single submitter. Criteria: Invitae Variant Classification Sherloc (09022015). Collection method: clinical testing. Allele origin: germline.
Comment: This sequence change replaces glycine, which is neutral and non-polar, with glutamic acid, which is acidic and polar, at codon 111 of the ALDH7A1 protein (p.Gly111Glu). This variant is present in population databases (no rsID available, gnomAD 0.008%). This missense change has been observed in individual(s) with pyridoxine-dependent epilepsy (PMID: 19142996, 20554659). This variant is also known as c.248G>A (p.Gly83Glu). ClinVar contains an entry for this variant (Variation ID: 666201). Invitae Evidence Modeling of protein sequence and biophysical properties (such as structural, functional, and spatial information, amino acid conservation, physicochemical variation, residue mobility, and thermodynamic stability) indicates that this missense variant is expected to disrupt ALDH7A1 protein function with a positive predictive value of 95%. Experimental studies have shown that this missense change affects ALDH7A1 function (PMID: 22784480). For these reasons, this variant has been classified as Pathogenic.

Women's Health and Genetics/Laboratory Corporation of America, LabCorp
Classification: Likely pathogenic for Pyridoxine-dependent epilepsy. Last evaluated: 2024-07-03. Review status: criteria provided, single submitter. Criteria: LabCorp Variant Classification Summary - May 2015. Collection method: clinical testing. Allele origin: germline.
Comment: Variant summary: ALDH7A1 c.332G>A (p.Gly111Glu) results in a non-conservative amino acid change located in the Aldehyde dehydrogenase domain (IPR015590) of the encoded protein sequence. Five of five in-silico tools predict a damaging effect of the variant on protein function. The variant allele was found at a frequency of 4e-06 in 251468 control chromosomes. c.332G>A has been reported in the literature in compound heterozygous individuals affected with Pyridoxine-Dependent Epilepsy or in a heterozygous individual with an unspecified childhood epilepsy without second variant reported (e.g. Gallagher_2009, Mills_2010, Truty_2019). These data indicate that the variant may be associated with disease. At least one publication reports experimental evidence evaluating an impact on protein function. The most pronounced variant effect results in <10% of normal enzyme activity in vitro (e.g. Coulter-Mackie_2012). The following publications have been ascertained in the context of this evaluation (PMID: 22784480, 19142996, 20554659, 31440721). ClinVar contains an entry for this variant (Variation ID: 666201). Based on the evidence outlined above, the variant was classified as likely pathogenic.

Literature cited by the submitters: PubMed 19142996 (cited by Labcorp Genetics (formerly Invitae), Labcorp and Women's Health and Genetics/Laboratory Corporation of America, LabCorp); PubMed 20554659 (cited by Labcorp Genetics (formerly Invitae), Labcorp and Women's Health and Genetics/Laboratory Corporation of America, LabCorp); PubMed 22784480 (cited by Labcorp Genetics (formerly Invitae), Labcorp and Women's Health and Genetics/Laboratory Corporation of America, LabCorp); PubMed 31440721 (cited by Women's Health and Genetics/Laboratory Corporation of America, LabCorp).

NM_001182.5(ALDH7A1):c.332G>A (p.Gly111Glu)

Gene: ALDH7A1 (aldehyde dehydrogenase 7 family member A1; minus strand). Cytogenetic location: 5q23.2.
Variant type: single nucleotide variant.
Coding change: c.332G>A on transcript NM_001182.5 (MANE Select); coding-DNA position 332, G replaced by A.
Protein change: p.Gly111Glu; replaces glycine 111 with glutamic acid.
Molecular consequence: missense variant.
Genome position (GRCh38, 1-based): chr5:126,583,993, C>T on the plus strand (G>A on the coding strand, the complement: ALDH7A1 is on the minus strand). VCF-style: chr5-126583993-C-T. GRCh37 (hg19) VCF-style: chr5-125919685-C-T.
Other names: c.248G>A, p.Gly83Glu (NM_001201377.2); c.332G>A, p.Gly111Glu (NM_001202404.2); short protein forms G111E, G83E.
Identifiers: ClinVar variation 666201 (VCV000666201.12), dbSNP rs994001880, ClinGen allele CA126916169.
Genomic context (GRCh38, chr5:126,583,993, plus strand): 5'-AAGCTTCCTAGTACTTGGATCTTCTCCCGCAAGGCATCGCCAATCTGTCTTACTATTTCT[C>T]CTCGTTTTGGAGCAGGAATCTAAGAAAAGAATGCAATTTTTGTGTCTGATTCAAAGCATA-3'
Protein context (NP_001173.2, residues 101-121): IWADIPAPKR[Gly111Glu]EIVRQIGDAL